The following is an entry in ClinVar:

ClinVar aggregate classification (germline): Uncertain significance (1 of 4 stars; one submission).

Submission:

GeneDx
Classification: Uncertain significance. Last evaluated: 2024-08-02. Review status: criteria provided, single submitter. Criteria: GeneDx Variant Classification Process June 2021. Collection method: clinical testing. Allele origin: germline. Affected: yes.
Comment: Not observed at significant frequency in large population cohorts (gnomAD); In silico analysis supports that this missense variant has a deleterious effect on protein structure/function; Has not been previously published as pathogenic or benign to our knowledge

NM_000899.5(KITLG):c.674C>A (p.Ser225Tyr)

Gene: KITLG (KIT ligand; minus strand). Cytogenetic location: 12q21.32.
Variant type: single nucleotide variant.
Coding change: c.674C>A on transcript NM_000899.5 (MANE Select); coding-DNA position 674, C replaced by A.
Protein change: p.Ser225Tyr; replaces serine 225 with tyrosine.
Molecular consequence: missense variant.
Genome position (GRCh38, 1-based): chr12:88,507,068, G>T on the plus strand (C>A on the coding strand, the complement: KITLG is on the minus strand). VCF-style: chr12-88507068-G-T. GRCh37 (hg19) VCF-style: chr12-88900845-G-T.
Other names: c.590C>A, p.Ser197Tyr (NM_003994.6); short protein forms S197Y, S225Y.
Identifiers: ClinVar variation 3602165 (VCV003602165.1).